The following is an entry in ClinVar:

ClinVar aggregate classification (germline): Uncertain significance. Review status: criteria provided, multiple submitters, no conflicts (2 of 4 stars). 5 submissions from 4 submitters: Uncertain significance (3). 2 of the submissions do not count toward it. Last evaluated 2023-11-04.

Conditions:
Retinitis pigmentosa 39 (RP39). Identifiers: Orphanet 791, MedGen C3151138, MONDO:0013436, OMIM 613809.
Usher syndrome type 2A. Also called: RETINAL DISEASE IN USHER SYNDROME TYPE IIA, MODIFIER OF; USHER SYNDROME, TYPE IIA. Identifiers: Orphanet 231178, Orphanet 886, MedGen C1848634, MONDO:0010169, OMIM 276901.

Allele frequency attached by ClinVar (database versions not stated): TOPMed 0.00002; gnomAD exomes 0.00004; ExAC 0.00005; gnomAD 0.00001.
gnomAD v4.1: 8 of 1,610,922 alleles (0.0005%); highest among the groups gnomAD compares: East Asian, 0.016%; no homozygotes.

Submissions (5):

Genome-Nilou Lab
Classification: Uncertain significance for Retinitis pigmentosa 39. Last evaluated: 2023-11-04. Review status: criteria provided, single submitter. Criteria: ACMG Guidelines, 2015. Collection method: clinical testing. Allele origin: germline. Affected: no.

Genome-Nilou Lab
Classification: Uncertain significance for Usher syndrome type 2A. Last evaluated: 2023-11-04. Review status: criteria provided, single submitter. Criteria: ACMG Guidelines, 2015. Collection method: clinical testing. Allele origin: germline. Affected: no.

Laboratory for Molecular Medicine, Mass General Brigham Personalized Medicine
Classification: Uncertain significance. Last evaluated: 2014-06-27. Review status: criteria provided, single submitter. Criteria: LMM Criteria. Collection method: clinical testing. Allele origin: germline. Observed: 1 variant allele.
Comment: Variant classified as Uncertain Significance - Favor Benign. The Lys2164Asn vari ant in USH2A has not been previously reported in individuals with hearing loss a nd was absent from large population studies. Lysine (Lys) at position 2164 is n ot conserved in mammals or evolutionarily distant species and two species (pika and mallard duck) carry an asparagine (asn), raising the possibility that this c hange may be tolerated. Additional computational prediction tools and conservati on analyses do not provide strong support for or against an impact to the protei n. In summary, while the clinical significance of the Lys2164Asn variant is unce rtain, these data suggest that is more likely to be benign.

Natera, Inc.
Classification: Uncertain significance for Usher syndrome type 2A. Last evaluated: 2020-02-21. Review status: no assertion criteria provided. Collection method: clinical testing. Allele origin: germline. Not counted in ClinVar's aggregate classification.

Counsyl
Classification: Uncertain significance for Usher syndrome type 2A; Retinitis pigmentosa 39. Last evaluated: 2017-03-24. Review status: no assertion criteria provided. Collection method: clinical testing. Allele origin: unknown. Not counted in ClinVar's aggregate classification.

NM_206933.4(USH2A):c.6492A>C (p.Lys2164Asn)

Gene: USH2A (usherin; minus strand). Cytogenetic location: 1q41.
Variant type: single nucleotide variant.
Coding change: c.6492A>C on transcript NM_206933.4 (MANE Select); coding-DNA position 6492, A replaced by C.
Protein change: p.Lys2164Asn; replaces lysine 2164 with asparagine.
Molecular consequence: missense variant.
Genome position (GRCh38, 1-based): chr1:215,999,052, T>G on the plus strand (A>C on the coding strand, the complement: USH2A is on the minus strand). VCF-style: chr1-215999052-T-G. GRCh37 (hg19) VCF-style: chr1-216172394-T-G.
Other names: short protein forms K2164N.
Identifiers: ClinVar variation 166483 (VCV000166483.8), dbSNP rs727503724, ClinGen allele CA179548.